The following is an entry in ClinVar:

ClinVar aggregate classification (germline): Likely benign. Review status: reviewed by expert panel (3 of 4 stars). 2 submissions from 2 submitters: Likely benign (1). 1 of the submissions does not count toward it. Last evaluated 2017-06-29.

Conditions:
Hereditary breast ovarian cancer syndrome. Also called: Hereditary breast and ovarian cancer syndrome; BRCA1- and BRCA2-Associated Hereditary Breast and Ovarian Cancer; Hereditary breast and/or ovarian cancer syndrome; Hereditary breast and ovarian cancer; Breast and ovarian cancer; Hereditary breast and ovarian cancer syndrome (HBOC). Identifiers: Orphanet 145, MedGen C0677776, MeSH D061325, MONDO:0003582. Disease mechanism: loss of function.
Breast-ovarian cancer, familial, susceptibility to, 2 (BROVCA2). Also called: BRCA2 Hereditary Breast and Ovarian Cancer. Identifiers: Orphanet 145, MedGen C2675520, MONDO:0012933, OMIM 612555. Disease mechanism: loss of function.

Allele frequency attached by ClinVar (database versions not stated): gnomAD exomes below 0.00001; ExAC 0.00001.

Submissions (2):

Evidence-based Network for the Interpretation of Germline Mutant Alleles (ENIGMA)
Classification: Likely benign for Breast-ovarian cancer, familial, susceptibility to, 2. Last evaluated: 2017-06-29. Review status: reviewed by expert panel. Criteria: ENIGMA BRCA1/2 Classification Criteria (2017-06-29). Collection method: curation. Allele origin: germline.
Comment: Synonymous substitution variant, with low bioinformatic likelihood to result in a splicing aberration (Splicing prior probability 0.02).

Labcorp Genetics (formerly Invitae), Labcorp
Classification: Likely benign for Hereditary breast ovarian cancer syndrome. Last evaluated: 2023-09-21. Review status: criteria provided, single submitter. Criteria: Invitae Variant Classification Sherloc (09022015). Collection method: clinical testing. Allele origin: germline. Not counted in ClinVar's aggregate classification.

NM_000059.4(BRCA2):c.3426T>C (p.Phe1142=)

Gene: BRCA2 (BRCA2 DNA repair associated; plus strand). Cytogenetic location: 13q13.1.
Variant type: single nucleotide variant.
Coding change: c.3426T>C on transcript NM_000059.4 (MANE Select); coding-DNA position 3426, T replaced by C.
Protein change: p.Phe1142=; no amino-acid change (phenylalanine 1142 retained).
Molecular consequence: synonymous variant.
Genome position (GRCh38, 1-based): chr13:32,337,781, T>C. VCF-style: chr13-32337781-T-C. GRCh37 (hg19) VCF-style: chr13-32911918-T-C.
Identifiers: ClinVar variation 427486 (VCV000427486.6), dbSNP rs760681272, ClinGen allele CA6940695.